The following is an entry in ClinVar:

ClinVar aggregate classification (germline): Conflicting classifications of pathogenicity. Review status: criteria provided, conflicting classifications (1 of 4 stars). 2 submissions from 2 submitters: Uncertain significance (1); Likely benign (1). Last evaluated 2022-10-21.

Allele frequency attached by ClinVar (database versions not stated): gnomAD exomes below 0.00001 and 0.00001; ExAC 0.00001; TOPMed 0.00001.
gnomAD v4.1: 2 of 1,612,972 alleles (0.00012%); highest among the groups gnomAD compares: Admixed American, 0.0033%; no homozygotes.

Submissions (2):

Labcorp Genetics (formerly Invitae), Labcorp
Classification: Likely benign. Last evaluated: 2022-10-21. Review status: criteria provided, single submitter. Criteria: Invitae Variant Classification Sherloc (09022015). Collection method: clinical testing. Allele origin: germline.

GeneDx
Classification: Uncertain significance. Last evaluated: 2022-03-11. Review status: criteria provided, single submitter. Criteria: GeneDx Variant Classification Process June 2021. Collection method: clinical testing. Allele origin: germline. Affected: yes.
Comment: In silico analysis supports that this missense variant has a deleterious effect on protein structure/function; Has not been previously published as pathogenic or benign to our knowledge

NM_030665.4(RAI1):c.1758G>C (p.Lys586Asn)

Gene: RAI1 (retinoic acid induced 1; plus strand). Cytogenetic location: 17p11.2.
Variant type: single nucleotide variant.
Coding change: c.1758G>C on transcript NM_030665.4 (MANE Select); coding-DNA position 1758, G replaced by C.
Protein change: p.Lys586Asn; replaces lysine 586 with asparagine.
Molecular consequence: missense variant.
Genome position (GRCh38, 1-based): chr17:17,794,706, G>C. VCF-style: chr17-17794706-G-C. GRCh37 (hg19) VCF-style: chr17-17698020-G-C.
Other names: short protein forms K586N.
Identifiers: ClinVar variation 1526306 (VCV001526306.6), dbSNP rs756134541, ClinGen allele CA8418393.
Genomic context (GRCh38, chr17:17,794,706, plus strand): 5'-CAAATCTGACGACTCCTTCCAGAGCCTACACGGCAGTCTGCCGCTCGACAGCTTCTCCAA[G>C]TTCGTGGCGGGTGAGCGGGACTGTCCGCGGCTGCTGCTCAGCGCCCTGGCACAGGAGGAC-3'
Protein context (NP_109590.3, residues 576-596): HGSLPLDSFS[Lys586Asn]FVAGERDCPR